The following is an entry in ClinVar:

ClinVar aggregate classification (germline): Pathogenic. Review status: criteria provided, multiple submitters, no conflicts (2 of 4 stars). 3 submissions from 3 submitters: Pathogenic (3). Last evaluated 2026-01-13.

Conditions:
Familial cancer of breast. Also called: BREAST CANCER, FAMILIAL; Hereditary breast cancer; hereditary breast carcinoma. Identifiers: Orphanet 227535, MedGen C0346153, MONDO:0016419, OMIM 114480. Disease mechanism: loss of function.

Submissions (3):

Labcorp Genetics (formerly Invitae), Labcorp
Classification: Pathogenic for Familial cancer of breast. Last evaluated: 2026-01-13. Review status: criteria provided, single submitter. Criteria: Invitae Variant Classification Sherloc (09022015). Collection method: clinical testing. Allele origin: germline.
Comment: This sequence change creates a premature translational stop signal (p.Ser474Lysfs*13) in the PALB2 gene. It is expected to result in an absent or disrupted protein product. Loss-of-function variants in PALB2 are known to be pathogenic (PMID: 17200668, 17200671, 17200672, 24136930, 25099575). This variant is not present in population databases (gnomAD no frequency). This variant has not been reported in the literature in individuals affected with PALB2-related conditions. ClinVar contains an entry for this variant (Variation ID: 3898618). For these reasons, this variant has been classified as Pathogenic.

CeGaT Center for Human Genetics Tuebingen
Classification: Pathogenic. Last evaluated: 2025-04-01. Review status: criteria provided, single submitter. Criteria: CeGaT Center For Human Genetics Tuebingen Variant Classification Criteria Version 2. Collection method: clinical testing. Allele origin: germline. Affected: yes. Observed: 1 variant allele.
Comment: PALB2: PVS1, PM2

Myriad Genetics, Inc.
Classification: Pathogenic for Familial cancer of breast. Last evaluated: 2025-02-11. Review status: criteria provided, single submitter. Criteria: Myriad Autosomal Dominant, Autosomal Recessive and X-Linked Classification Criteria (2023). Collection method: clinical testing. Allele origin: unknown.
Comment: This variant is considered pathogenic. This variant creates a frameshift predicted to result in premature protein truncation.

Literature cited by the submitters: PubMed 17200668 (cited by Labcorp Genetics (formerly Invitae), Labcorp); PubMed 17200671 (cited by Labcorp Genetics (formerly Invitae), Labcorp); PubMed 17200672 (cited by Labcorp Genetics (formerly Invitae), Labcorp); PubMed 24136930 (cited by Labcorp Genetics (formerly Invitae), Labcorp); PubMed 25099575 (cited by Labcorp Genetics (formerly Invitae), Labcorp).

NM_024675.4(PALB2):c.1418dup (p.Ser474fs)

Gene: PALB2 (partner and localizer of BRCA2; minus strand). Cytogenetic location: 16p12.2.
Variant type: Duplication.
Coding change: c.1418dup on transcript NM_024675.4 (MANE Select); coding-DNA position 1418, one base duplicated (C; older notation c.1418dupC).
Protein change: p.Ser474fs; shifts the reading frame from serine 474.
Molecular consequence: frameshift variant. On other transcripts: intron variant (3).
Genome position (GRCh38, 1-based): chr16:23,635,128, G duplicated on the plus strand (C on the coding strand, the reverse complement: PALB2 is on the minus strand); the first of 2 consecutive G bases (chr16:23,635,128-23,635,129); duplicating either gives the same sequence. VCF-style (leftmost placement, unchanged base first): chr16-23635127-T-TG. GRCh37 (hg19) VCF-style: chr16-23646448-T-TG.
Other names: c.1358dup, p.Ser454fs (NM_001407296.1); c.1418dup, p.Ser474fs (NM_001407297.1, NM_001407298.1, NM_001407299.1 and 3 more transcripts); c.533dup, p.Ser179fs (NM_001407304.1, NM_001407305.1, NM_001407306.1 and 5 more transcripts); c.49-5853dup (NM_001407314.1); c.-104-4659dup (NM_001407313.1, NM_001407312.1); short protein forms S179fs, S454fs, S474fs.
Identifiers: ClinVar variation 3898618 (VCV003898618.9).